The following is an entry in ClinVar:

NM_000531.6(OTC):c.409G>A (p.Ala137Thr)

Gene: OTC (ornithine transcarbamylase; plus strand). Cytogenetic location: Xp11.4.
Variant type: single nucleotide variant.
Coding change: c.409G>A on transcript NM_000531.6 (MANE Select); coding-DNA position 409, G replaced by A.
Protein change: p.Ala137Thr; replaces alanine 137 with threonine.
Molecular consequence: missense variant.
Genome position (GRCh38, 1-based): chrX:38,401,297, G>A. VCF-style: chrX-38401297-G-A. GRCh37 (hg19) VCF-style: chrX-38260550-G-A.
Other names: NM_000531.6(OTC):c.409G>A; p.Ala137Thr; short protein forms A137T.
Identifiers: ClinVar variation 97193 (VCV000097193.5), dbSNP rs72556258, ClinGen allele CA224591.

ClinVar aggregate classification (germline): Uncertain significance. Review status: reviewed by expert panel (3 of 4 stars). 4 submissions from 4 submitters: Uncertain significance (1). 3 of the submissions do not count toward it. Last evaluated 2026-05-20.

Conditions:
Inborn genetic diseases. Identifiers: MedGen C0950123, MeSH D030342.
Ornithine carbamoyltransferase deficiency (OTCD). Also called: Ornithine Carbamoyltransferase Deficiency Disease; ORNITHINE TRANSCARBAMYLASE DEFICIENCY; OTC DEFICIENCY; ORNITHINE TRANSCARBAMYLASE DEFICIENCY, HYPERAMMONEMIA DUE TO. Identifiers: Orphanet 664, MedGen C0268542, MONDO:0010703, OMIM 311250.

Allele frequency attached by ClinVar (database versions not stated): gnomAD exomes 0.00001.
gnomAD v4.1: 7 of 1,203,806 alleles (0.00058%); highest among the groups gnomAD compares: Non-Finnish European, 0.00068%; no homozygotes.

Submissions (4):

Clingen Urea Cycle Disorders Variant Curation Expert Panel, ClinGen
Classification: Uncertain significance for Ornithine carbamoyltransferase deficiency. Last evaluated: 2026-05-20. Review status: reviewed by expert panel. Criteria: ClinGen UreaCycles ACMG Specifications OTC V1.0. Collection method: curation. Allele origin: germline. Inheritance: X-linked inheritance.
Comment: The NM_000531.6:c.409G>A variant in OTC is a missense variant predicted to cause substitution of alanine by threonine at amino acid 137 (p.Ala137Thr). Two patients with this variant have been reported in the literature, but clinical and biochemical features were not reported (PMID 16786505, 30740724). The group max filtering allele frequency (Grpmax FAF) in gnomAD v4.1 is 0.000002430 in European (non-Finnish) population, with 4 hemizygotes across all populations. (PM2_Supporting, BS1, BS2 and BA1 are not met). Growth assay in yeast showed <50% of wild-type OTC growth activity, indicating that this variant impacts protein function (PMID: 37146589, PS3_Moderate). The computational predictor REVEL gives a score of 0.775, which is between 0.773 and 0.932, evidence that correlates with moderate impact to OTC function (PP3_Moderate). In summary, this variant is classified as a variant of uncertain significance for X-linked ornithine carbamoyltransferase deficiency based on the ACMG/AMP criteria applied, as specified by the ClinGen Urea Cycle Disorders VCEP (OTC specifications version 1.0.0), 02/08/2025: PS3_Moderate, PP3_Moderate.

Ambry Genetics
Classification: Uncertain significance for Inborn genetic diseases. Last evaluated: 2024-07-25. Review status: criteria provided, single submitter. Criteria: Ambry Variant Classification Scheme 2023. Collection method: clinical testing. Allele origin: germline. Not counted in ClinVar's aggregate classification.

Women's Health and Genetics/Laboratory Corporation of America, LabCorp
Classification: Uncertain significance. Last evaluated: 2024-05-10. Review status: criteria provided, single submitter. Criteria: LabCorp Variant Classification Summary - May 2015. Collection method: clinical testing. Allele origin: germline. Not counted in ClinVar's aggregate classification.
Comment: Variant summary: OTC c.409G>A (p.Ala137Thr) results in a non-conservative amino acid change located in the aspartate/ornithine carbamoyltransferase, carbamoyl-P binding domain (IPR006132) of the encoded protein sequence. Three of five in-silico tools predict a damaging effect of the variant on protein function. The variant allele was found at a frequency of 5.5e-06 in 182615 control chromosomes. These report(s) do not provide unequivocal conclusions about association of the variant with Ornithine Transcarbamylase Deficiency. At least one in vitro study in COS-7 cells suggests that this variant results in residual enzyme activity of approximately 50% of wildtype and a yeast-based quantitative growth assay suggests that this variant is hypomorhpic and causes a deleterious clinical presentation (e.g. Sharre_2022, Lo_2023). The following publications have been ascertained in the context of this evaluation (PMID: 37146589, 36217298, 16786505). ClinVar contains an entry for this variant (Variation ID: 97193). Based on the evidence outlined above, the variant was classified as VUS-possibly pathogenic.

GenMed Metabolism Lab
Classification: Pathogenic. Review status: no assertion criteria provided. Collection method: not provided. Allele origin: unknown. Not counted in ClinVar's aggregate classification.
ClinVar note: Converted during submission from pathogenic to Pathogenic.

Literature cited by the submitters: PubMed 16786505 (cited by Ambry Genetics and Women's Health and Genetics/Laboratory Corporation of America, LabCorp); PubMed 28324312 (cited by Ambry Genetics); PubMed 37146589 (cited by Women's Health and Genetics/Laboratory Corporation of America, LabCorp); PubMed 36217298 (cited by Women's Health and Genetics/Laboratory Corporation of America, LabCorp).